The following is an entry in ClinVar:

NM_015338.6(ASXL1):c.2482G>A (p.Gly828Ser)

Gene: ASXL1 (ASXL transcriptional regulator 1; plus strand). Cytogenetic location: 20q11.21.
Variant type: single nucleotide variant.
Coding change: c.2482G>A on transcript NM_015338.6 (MANE Select); coding-DNA position 2482, G replaced by A.
Protein change: p.Gly828Ser; replaces glycine 828 with serine.
Molecular consequence: missense variant.
Genome position (GRCh38, 1-based): chr20:32,435,194, G>A. VCF-style: chr20-32435194-G-A. GRCh37 (hg19) VCF-style: chr20-31022997-G-A.
Other names: c.2299G>A, p.Gly767Ser (NM_001363734.1); short protein forms G767S, G828S.
Identifiers: ClinVar variation 4865041 (VCV004865041.1).

ClinVar aggregate classification (germline): Uncertain significance (1 of 4 stars; one submission).

Conditions:
Inborn genetic diseases. Identifiers: MedGen C0950123, MeSH D030342.

Submission:

Ambry Genetics
Classification: Uncertain significance for Inborn genetic diseases. Last evaluated: 2026-06-10. Review status: criteria provided, single submitter. Criteria: Ambry Variant Classification Scheme 2023. Collection method: clinical testing. Allele origin: germline.
Comment: The p.G828S variant (also known as c.2482G>A), located in coding exon 13 of the ASXL1 gene, results from a G to A substitution at nucleotide position 2482. The glycine at codon 828 is replaced by serine, an amino acid with similar properties. This amino acid position is conserved. In addition, this alteration is predicted to be tolerated by in silico analysis. Based on the available evidence, the clinical significance of this variant remains unclear.